The following is an entry in ClinVar:

NM_145064.3(STAC3):c.293A>G (p.Lys98Arg)

Gene: STAC3 (SH3 and cysteine rich domain 3; minus strand). Cytogenetic location: 12q13.3.
Variant type: single nucleotide variant.
Coding change: c.293A>G on transcript NM_145064.3 (MANE Select); coding-DNA position 293, A replaced by G.
Protein change: p.Lys98Arg; replaces lysine 98 with arginine.
Molecular consequence: missense variant. On other transcripts: intron variant (1).
Genome position (GRCh38, 1-based): chr12:57,249,082, T>C on the plus strand (A>G on the coding strand, the complement: STAC3 is on the minus strand). VCF-style: chr12-57249082-T-C. GRCh37 (hg19) VCF-style: chr12-57642865-T-C.
Other names: c.176A>G, p.Lys59Arg (NM_001286256.2); c.-126-884A>G (NM_001286257.2); c.293A>G (NM_145064.1); short protein forms K98R, K59R.
Identifiers: ClinVar variation 2038472 (VCV002038472.2), dbSNP rs139047185, ClinGen allele CA6647204.
Genomic context (GRCh38, chr12:57,249,082, plus strand): 5'-ACTTCCCTTCATGACTCACGAACAATCATCCGGGCACAGACATCACAGAACTTTGGCTTC[T>C]TGAAGAAGTGATCTTTGAATTTGTGGGGCTTATCGTTGACCAGCTTAGGAGGTTCTGGGG-3'
Protein context (NP_659501.1, residues 88-108): KPHKFKDHFF[Lys98Arg]KPKFCDVCAR

ClinVar aggregate classification (germline): Uncertain significance. Review status: criteria provided, multiple submitters, no conflicts (2 of 4 stars). 2 submissions from 2 submitters: Uncertain significance (2). Last evaluated 2025-08-27.

Conditions:
Inborn genetic diseases. Identifiers: MedGen C0950123, MeSH D030342.
Bailey-Bloch congenital myopathy (CMYO13). Also called: Native American myopathy; Congenital myopathy 13; STAC3 disorder. Identifiers: Orphanet 168572, MedGen C1850625, MONDO:0009722, OMIM 255995.

Allele frequency attached by ClinVar (database versions not stated): ExAC 0.00005; gnomAD 0.00009; TOPMed 0.00009; ESP Exome Variant Server 0.00023.

Submissions (2):

Ambry Genetics
Classification: Uncertain significance for Inborn genetic diseases. Last evaluated: 2025-08-27. Review status: criteria provided, single submitter. Criteria: Ambry Variant Classification Scheme 2023. Collection method: clinical testing. Allele origin: germline.

Labcorp Genetics (formerly Invitae), Labcorp
Classification: Uncertain significance for Bailey-Bloch congenital myopathy. Last evaluated: 2022-05-20. Review status: criteria provided, single submitter. Criteria: Invitae Variant Classification Sherloc (09022015). Collection method: clinical testing. Allele origin: germline.
Comment: This sequence change replaces lysine, which is basic and polar, with arginine, which is basic and polar, at codon 98 of the STAC3 protein (p.Lys98Arg). This variant is present in population databases (rs139047185, gnomAD 0.05%). This variant has not been reported in the literature in individuals affected with STAC3-related conditions. Algorithms developed to predict the effect of missense changes on protein structure and function are either unavailable or do not agree on the potential impact of this missense change (SIFT: "Deleterious"; PolyPhen-2: "Probably Damaging"; Align-GVGD: "Class C0"). In summary, the available evidence is currently insufficient to determine the role of this variant in disease. Therefore, it has been classified as a Variant of Uncertain Significance.